The following is an entry in ClinVar:

ClinVar aggregate classification (germline): Uncertain significance. Review status: criteria provided, multiple submitters, no conflicts (2 of 4 stars). 2 submissions from 2 submitters: Uncertain significance (2). Last evaluated 2025-02-16.

Submissions (2):

Labcorp Genetics (formerly Invitae), Labcorp
Classification: Uncertain significance. Last evaluated: 2025-02-16. Review status: criteria provided, single submitter. Criteria: Invitae Variant Classification Sherloc (09022015). Collection method: clinical testing. Allele origin: germline.
Comment: This variant, c.800_823dup, results in the insertion of 8 amino acid(s) of the DLL1 protein (p.Thr267_Cys274dup), but otherwise preserves the integrity of the reading frame. This variant is not present in population databases (gnomAD no frequency). This variant has not been reported in the literature in individuals affected with DLL1-related conditions. ClinVar contains an entry for this variant (Variation ID: 2843601). In summary, the available evidence is currently insufficient to determine the role of this variant in disease. Therefore, it has been classified as a Variant of Uncertain Significance.

GeneDx
Classification: Uncertain significance. Last evaluated: 2023-11-28. Review status: criteria provided, single submitter. Criteria: GeneDx Variant Classification Process June 2021. Collection method: clinical testing. Allele origin: germline. Affected: yes.
Comment: Not observed at significant frequency in large population cohorts (gnomAD); In-frame duplication of 8 amino acids in a non-repeat region; Has not been previously published as pathogenic or benign to our knowledge

NM_005618.4(DLL1):c.800_823dup (p.Cys274_Asn275insThrCysGlnGlnProTrpGlnCys)

Gene: DLL1 (delta like canonical Notch ligand 1; minus strand). Cytogenetic location: 6q27.
Variant type: Duplication.
Coding change: c.800_823dup on transcript NM_005618.4 (MANE Select); coding-DNA positions 800 to 823, 24 bases duplicated (CCTGCCAGCAGCCCTGGCAGTGCA).
Protein change: p.Cys274_Asn275insThrCysGlnGlnProTrpGlnCys.
Molecular consequence: inframe insertion.
Genome position (GRCh38, 1-based): chr6:170,285,608-170,285,631, TGCACTGCCAGGGCTGCTGGCAGG duplicated on the plus strand (CCTGCCAGCAGCCCTGGCAGTGCA on the coding strand, the reverse complement: DLL1 is on the minus strand); duplicating any 24 consecutive bases within chr6:170,285,608-170,285,634 gives the same sequence; the c. name uses the placement nearest the transcript's 3' end. VCF-style (leftmost placement, unchanged base first): chr6-170285607-T-TTGCACTGCCAGGGCTGCTGGCAGG. GRCh37 (hg19) VCF-style: chr6-170594695-T-TTGCACTGCCAGGGCTGCTGGCAGG.
Other names: c.800_823dup (NM_005618.3).
Identifiers: ClinVar variation 2843601 (VCV002843601.4), dbSNP rs2483352455, ClinGen allele CA2739266217.